The following is an entry in ClinVar:

ClinVar aggregate classification (germline): Uncertain significance (1 of 4 stars; one submission).

Conditions:
Dilated cardiomyopathy 1JJ (CMD1JJ). Identifiers: Orphanet 154, MedGen C3808935, MONDO:0014095, OMIM 615235.

gnomAD v4.1: 4 of 1,613,864 alleles (0.00025%); highest among the groups gnomAD compares: Admixed American, 0.0017%; no homozygotes.

Submission:

Labcorp Genetics (formerly Invitae), Labcorp
Classification: Uncertain significance for Dilated cardiomyopathy 1JJ. Last evaluated: 2025-10-13. Review status: criteria provided, single submitter. Criteria: Invitae Variant Classification Sherloc (09022015). Collection method: clinical testing. Allele origin: germline.
Comment: This sequence change replaces glycine, which is neutral and non-polar, with arginine, which is basic and polar, at codon 879 of the LAMA4 protein (p.Gly879Arg). The frequency data for this variant in the population databases is considered unreliable, as metrics indicate poor data quality at this position in the gnomAD database. This variant has not been reported in the literature in individuals affected with LAMA4-related conditions. Invitae Evidence Modeling of protein sequence and biophysical properties (such as structural, functional, and spatial information, amino acid conservation, physicochemical variation, residue mobility, and thermodynamic stability) indicates that this missense variant is expected to disrupt LAMA4 protein function with a positive predictive value of 80%. In summary, the available evidence is currently insufficient to determine the role of this variant in disease. Therefore, it has been classified as a Variant of Uncertain Significance.

NM_001105206.3(LAMA4):c.2656G>A (p.Gly886Arg)

Gene: LAMA4 (laminin subunit alpha 4; minus strand). Cytogenetic location: 6q21.
Variant type: single nucleotide variant.
Coding change: c.2656G>A on transcript NM_001105206.3 (MANE Select); coding-DNA position 2656, G replaced by A.
Protein change: p.Gly886Arg; replaces glycine 886 with arginine.
Molecular consequence: missense variant.
Genome position (GRCh38, 1-based): chr6:112,142,130, C>T on the plus strand (G>A on the coding strand, the complement: LAMA4 is on the minus strand). VCF-style: chr6-112142130-C-T. GRCh37 (hg19) VCF-style: chr6-112463332-C-T.
Other names: c.2635G>A, p.Gly879Arg (NM_001105207.3, NM_002290.5); short protein forms G886R, G879R.
Identifiers: ClinVar variation 4745542 (VCV004745542.1).
Genomic context (GRCh38, chr6:112,142,130, plus strand): 5'-CAGCTTTCCTTGTAAATATTATTCCCTCCTTTCAAACTCATGTGCTTACGTTTTTGCTTC[C>T]GAGGTACAGGATAAACTGATCTGCAGTCTCGGTCAGTTCCGGCCGCTTCACAGGGGGTTT-3'
Protein context (NP_001098676.2, residues 876-896): ETADQFILYL[Gly886Arg]SKNAKKEYMG